The following is an entry in ClinVar:

ClinVar aggregate classification (germline): Uncertain significance (1 of 4 stars; one submission).

Allele frequency attached by ClinVar (database versions not stated): ExAC 0.00001; gnomAD 0.00001; gnomAD exomes 0.00001; 1000 Genomes Project 30x 0.00016; 1000 Genomes Project 0.00020.
gnomAD v4.1: 8 of 1,612,596 alleles (0.0005%); highest among the groups gnomAD compares: East Asian, 0.0045%; no homozygotes.

Submission:

CeGaT Center for Human Genetics Tuebingen
Classification: Uncertain significance. Last evaluated: 2024-04-01. Review status: criteria provided, single submitter. Criteria: CeGaT Center For Human Genetics Tuebingen Variant Classification Criteria Version 2. Collection method: clinical testing. Allele origin: germline. Affected: yes. Observed: 1 variant allele.
Comment: KIF12: PM2, PM3:Supporting

NM_001388308.1(KIF12):c.878G>A (p.Arg293Gln)

Gene: KIF12 (kinesin family member 12; minus strand). Cytogenetic location: 9q32.
Variant type: single nucleotide variant.
Coding change: c.878G>A on transcript NM_001388308.1 (MANE Select); coding-DNA position 878, G replaced by A.
Protein change: p.Arg293Gln; replaces arginine 293 with glutamine.
Molecular consequence: missense variant.
Genome position (GRCh38, 1-based): chr9:114,096,068, C>T on the plus strand (G>A on the coding strand, the complement: KIF12 is on the minus strand). VCF-style: chr9-114096068-C-T. GRCh37 (hg19) VCF-style: chr9-116858348-C-T.
Other names: c.464G>A, p.Arg155Gln (NM_138424.2); short protein forms R155Q, R293Q.
Identifiers: ClinVar variation 3234657 (VCV003234657.20), dbSNP rs192405593, ClinGen allele CA5200731.